The following is an entry in ClinVar:

ClinVar aggregate classification (germline): Conflicting classifications of pathogenicity. Review status: criteria provided, conflicting classifications (1 of 4 stars). 3 submissions from 3 submitters: Likely pathogenic (1); Uncertain significance (1). 1 of the submissions does not count toward it. Last evaluated 2024-10-07.

Conditions:
Leber congenital amaurosis 8 (LCA8). Identifiers: Orphanet 65, MedGen C3151202, MONDO:0013453, OMIM 613835.
Retinitis pigmentosa 12 (RP12). Also called: RP WITH OR WITHOUT PPRPE; RP WITH OR WITHOUT PRESERVED PARAARTERIOLE RETINAL PIGMENT EPITHELIUM; RETINITIS PIGMENTOSA WITH OR WITHOUT PARAARTERIOLAR PRESERVATION OF RETINAL PIGMENT EPITHELIUM. Identifiers: Orphanet 791, MedGen C1838647, MONDO:0010818, OMIM 600105.
Autosomal recessive retinitis pigmentosa. Identifiers: MedGen C0339526.
Retinitis pigmentosa 13 (RP13). Also called: PRPF 8-Related Retinitis Pigmentosa. Identifiers: Orphanet 791, MedGen C1838702, MONDO:0010806, OMIM 600059.

Allele frequency attached by ClinVar (database versions not stated): gnomAD exomes below 0.00001; ExAC 0.00001; gnomAD 0.00001; TOPMed 0.00002.
gnomAD v4.1: 2 of 1,614,074 alleles (0.00012%); highest among the groups gnomAD compares: African/African-American, 0.0027%; no homozygotes.

Submissions (3):

Labcorp Genetics (formerly Invitae), Labcorp
Classification: Uncertain significance for Leber congenital amaurosis 8; Retinitis pigmentosa 12. Last evaluated: 2024-10-07. Review status: criteria provided, single submitter. Criteria: Invitae Variant Classification Sherloc (09022015). Collection method: clinical testing. Allele origin: germline.
Comment: This sequence change replaces phenylalanine, which is neutral and non-polar, with serine, which is neutral and polar, at codon 488 of the CRB1 protein (p.Phe488Ser). This variant is present in population databases (rs777377174, gnomAD 0.007%). This missense change has been observed in individual(s) with retinitis pigmentosa (PMID: 16936081, 26355662). ClinVar contains an entry for this variant (Variation ID: 978991). Invitae Evidence Modeling of protein sequence and biophysical properties (such as structural, functional, and spatial information, amino acid conservation, physicochemical variation, residue mobility, and thermodynamic stability) has been performed for this missense variant. However, the output from this modeling did not meet the statistical confidence thresholds required to predict the impact of this variant on CRB1 protein function. In summary, the available evidence is currently insufficient to determine the role of this variant in disease. Therefore, it has been classified as a Variant of Uncertain Significance.

Genomic Medicine Center of Excellence, King Faisal Specialist Hospital and Research Centre
Classification: Likely pathogenic for Retinitis pigmentosa-13. Last evaluated: 2024-03-14. Review status: criteria provided, single submitter. Criteria: ACMG Guidelines, 2015. Collection method: clinical testing. Allele origin: germline.

Faculty of Health Sciences, Beirut Arab University
Classification: Pathogenic for Autosomal recessive Retinitis Pigmentosa. Last evaluated: 2015-09-10. Review status: no assertion criteria provided. Collection method: literature only. Allele origin: germline. Affected: yes. Observed: 1 variant allele. Not counted in ClinVar's aggregate classification.

Literature cited by the submitters: PubMed 16936081 (cited by Labcorp Genetics (formerly Invitae), Labcorp); PubMed 26355662 (cited by Labcorp Genetics (formerly Invitae), Labcorp and Faculty of Health Sciences, Beirut Arab University).

NM_201253.3(CRB1):c.1463T>C (p.Phe488Ser)

Gene: CRB1 (crumbs cell polarity complex component 1; plus strand). Cytogenetic location: 1q31.3.
Variant type: single nucleotide variant.
Coding change: c.1463T>C on transcript NM_201253.3 (MANE Select); coding-DNA position 1463, T replaced by C.
Protein change: p.Phe488Ser; replaces phenylalanine 488 with serine.
Molecular consequence: missense variant. On other transcripts: non-coding transcript variant (2).
Genome position (GRCh38, 1-based): chr1:197,421,291, T>C. VCF-style: chr1-197421291-T-C. GRCh37 (hg19) VCF-style: chr1-197390421-T-C.
Other names: c.1127T>C, p.Phe376Ser (NM_001193640.2); c.1256T>C, p.Phe419Ser (NM_001257965.2); c.1463T>C, p.Phe488Ser (NM_001257966.2); short protein forms F376S, F419S, F488S.
Identifiers: ClinVar variation 978991 (VCV000978991.5), dbSNP rs777377174, ClinGen allele CA1311925.